The following is an entry in ClinVar:

ClinVar aggregate classification (germline): Uncertain significance. Review status: criteria provided, multiple submitters, no conflicts (2 of 4 stars). 2 submissions from 2 submitters: Uncertain significance (2). Last evaluated 2024-12-12.

Conditions:
Hereditary cancer-predisposing syndrome. Also called: Neoplastic Syndromes, Hereditary; Tumor predisposition; Hereditary Cancer Syndrome; Hereditary neoplastic syndrome. Identifiers: Orphanet 140162, MedGen C0027672, MeSH D009386, MONDO:0015356.
Hereditary nonpolyposis colorectal neoplasms. Identifiers: MedGen C0009405, MeSH D003123.

Submissions (2):

Ambry Genetics
Classification: Uncertain significance for Hereditary cancer-predisposing syndrome. Last evaluated: 2024-12-12. Review status: criteria provided, single submitter. Criteria: Ambry Variant Classification Scheme 2023. Collection method: clinical testing. Allele origin: germline.
Comment: The p.G56R variant (also known as c.166G>A), located in coding exon 1 of the MSH6 gene, results from a G to A substitution at nucleotide position 166. The glycine at codon 56 is replaced by arginine, an amino acid with dissimilar properties. This amino acid position is not well conserved in available vertebrate species. In addition, this alteration is predicted to be tolerated by in silico analysis. Based on the available evidence, the clinical significance of this variant remains unclear.

Labcorp Genetics (formerly Invitae), Labcorp
Classification: Uncertain significance for Hereditary nonpolyposis colorectal neoplasms. Last evaluated: 2024-11-21. Review status: criteria provided, single submitter. Criteria: Invitae Variant Classification Sherloc (09022015). Collection method: clinical testing. Allele origin: germline.
Comment: This sequence change replaces glycine, which is neutral and non-polar, with arginine, which is basic and polar, at codon 56 of the MSH6 protein (p.Gly56Arg). This variant is not present in population databases (gnomAD no frequency). This variant has not been reported in the literature in individuals affected with MSH6-related conditions. ClinVar contains an entry for this variant (Variation ID: 819786). Invitae Evidence Modeling of protein sequence and biophysical properties (such as structural, functional, and spatial information, amino acid conservation, physicochemical variation, residue mobility, and thermodynamic stability) indicates that this missense variant is not expected to disrupt MSH6 protein function with a negative predictive value of 95%. In summary, the available evidence is currently insufficient to determine the role of this variant in disease. Therefore, it has been classified as a Variant of Uncertain Significance.

NM_000179.3(MSH6):c.166G>A (p.Gly56Arg)

Gene: MSH6 (mutS homolog 6; plus strand). Cytogenetic location: 2p16.3.
Variant type: single nucleotide variant.
Coding change: c.166G>A on transcript NM_000179.3 (MANE Select); coding-DNA position 166, G replaced by A.
Protein change: p.Gly56Arg; replaces glycine 56 with arginine.
Molecular consequence: missense variant. On other transcripts: 5 prime UTR variant (1).
Genome position (GRCh38, 1-based): chr2:47,783,399, G>A. VCF-style: chr2-47783399-G-A. GRCh37 (hg19) VCF-style: chr2-48010538-G-A.
Other names: c.166G>A, p.Gly56Arg (NM_001281492.2); c.-571G>A (NM_001281493.2); short protein forms G56R.
Identifiers: ClinVar variation 819786 (VCV000819786.7), dbSNP rs1254951576, ClinGen allele CA346734981.